The following is an entry in ClinVar:

ClinVar aggregate classification (germline): Benign (0 of 4 stars; one submission).

Conditions:
DCHS2-related disorder. Also called: DCHS2-related condition.

Allele frequency attached by ClinVar (database versions not stated): gnomAD exomes 0.00086; ExAC 0.00276; ESP Exome Variant Server 0.00900; gnomAD 0.00923; TOPMed 0.01023; 1000 Genomes Project 0.01058; 1000 Genomes Project 30x 0.01171.
gnomAD v4.1: 2,714 of 1,613,956 alleles (0.17%); highest among the groups gnomAD compares: African/African-American, 3.2%; 45 homozygotes.

Submission:

PreventionGenetics, part of Exact Sciences
Classification: Benign for DCHS2-related condition. Last evaluated: 2019-03-14. Review status: no assertion criteria provided. Collection method: clinical testing. Allele origin: germline.
Comment: This variant is classified as benign based on ACMG/AMP sequence variant interpretation guidelines (Richards et al. 2015 PMID: 25741868, with internal and published modifications).

NM_001358235.2(DCHS2):c.9054A>T (p.Arg3018Ser)

Genes: DCHS2 (dachsous cadherin-related 2; minus strand), DCHS2-AS1 (DCHS2 antisense RNA 1; plus strand). Cytogenetic location: 4q31.3.
Variant type: single nucleotide variant.
Coding change: c.9054A>T on transcript NM_001358235.2 (MANE Select); coding-DNA position 9054, A replaced by T.
Protein change: p.Arg3018Ser; replaces arginine 3018 with serine.
Molecular consequence: missense variant.
Genome position (GRCh38, 1-based): chr4:154,235,598, T>A on the plus strand (A>T on the coding strand, the complement: DCHS2 is on the minus strand). VCF-style: chr4-154235598-T-A. GRCh37 (hg19) VCF-style: chr4-155156750-T-A.
Other names: short protein forms R3018S.
Identifiers: ClinVar variation 3039222 (VCV003039222.2), dbSNP rs73857226, ClinGen allele CA3111821.